The following is an entry in ClinVar:

NM_000548.5(TSC2):c.5044C>A (p.Leu1682Met)

Gene: TSC2 (TSC complex subunit 2; plus strand). Cytogenetic location: 16p13.3.
Variant type: single nucleotide variant.
Coding change: c.5044C>A on transcript NM_000548.5 (MANE Select); coding-DNA position 5044, C replaced by A.
Protein change: p.Leu1682Met; replaces leucine 1682 with methionine.
Molecular consequence: missense variant.
Genome position (GRCh38, 1-based): chr16:2,087,917, C>A. VCF-style: chr16-2087917-C-A. GRCh37 (hg19) VCF-style: chr16-2137918-C-A.
Other names: c.4843C>A, p.Leu1615Met (NM_001077183.3); c.4975C>A, p.Leu1659Met (NM_001114382.3); c.4735C>A, p.Leu1579Met (NM_001318827.2); c.4699C>A, p.Leu1567Met (NM_001318829.2); c.4312C>A, p.Leu1438Met (NM_001318831.2); c.4876C>A, p.Leu1626Met (NM_001318832.2); c.4846C>A, p.Leu1616Met (NM_001363528.2); c.4912C>A, p.Leu1638Met (NM_001370404.1); and 26 more; short protein forms L1081M, L1190M, L1416M, L1482M, L1567M, L1578M, L1596M, L1638M.
Identifiers: ClinVar variation 1954902 (VCV001954902.5), dbSNP rs1336904838, ClinGen allele CA394311469.

ClinVar aggregate classification (germline): Uncertain significance (1 of 4 stars; one submission).

Conditions:
Tuberous sclerosis 2 (TSC2). Identifiers: Orphanet 805, MedGen C1860707, MONDO:0013199, OMIM 613254.

Submission:

Labcorp Genetics (formerly Invitae), Labcorp
Classification: Uncertain significance for Tuberous sclerosis 2. Last evaluated: 2025-08-24. Review status: criteria provided, single submitter. Criteria: Invitae Variant Classification Sherloc (09022015). Collection method: clinical testing. Allele origin: germline.
Comment: This sequence change replaces leucine, which is neutral and non-polar, with methionine, which is neutral and non-polar, at codon 1682 of the TSC2 protein (p.Leu1682Met). This variant is not present in population databases (gnomAD no frequency). This variant has not been reported in the literature in individuals affected with TSC2-related conditions. ClinVar contains an entry for this variant (Variation ID: 1954902). Invitae Evidence Modeling of protein sequence and biophysical properties (such as structural, functional, and spatial information, amino acid conservation, physicochemical variation, residue mobility, and thermodynamic stability) indicates that this missense variant is not expected to disrupt TSC2 protein function with a negative predictive value of 95%. This variant disrupts the p.Leu1682 amino acid residue in TSC2. Other variant(s) that disrupt this residue have been determined to be pathogenic (PMID: 32211034). This suggests that this residue is clinically significant, and that variants that disrupt this residue are likely to be disease-causing. In summary, the available evidence is currently insufficient to determine the role of this variant in disease. Therefore, it has been classified as a Variant of Uncertain Significance.

Literature cited by the submitters: PubMed 32211034.